The following is an entry in ClinVar:

ClinVar aggregate classification (germline): Uncertain significance (1 of 4 stars; one submission).

Conditions:
TBXAS1-related disorder. Also called: TBXAS1-related condition.

Submission:

PreventionGenetics, part of Exact Sciences
Classification: Uncertain significance for TBXAS1-related condition. Last evaluated: 2026-06-23. Review status: criteria provided, single submitter. Criteria: ACMG Guidelines, 2015. Collection method: clinical testing. Allele origin: germline.
Comment: The TBXAS1 c.379T>C variant is predicted to result in the amino acid substitution p.Phe127Leu. To our knowledge, this variant has not been reported in the literature or in a large population database (gnomAD), indicating this variant is rare. At this time, the clinical significance of this variant is uncertain due to the absence of conclusive functional and genetic evidence.

NM_001061.7(TBXAS1):c.376T>C (p.Phe126Leu)

Gene: TBXAS1 (thromboxane A synthase 1; plus strand). Cytogenetic location: 7q34.
Variant type: single nucleotide variant.
Coding change: c.376T>C on transcript NM_001061.7 (MANE Select); coding-DNA position 376, T replaced by C.
Protein change: p.Phe126Leu; replaces phenylalanine 126 with leucine.
Molecular consequence: missense variant.
Genome position (GRCh38, 1-based): chr7:139,936,233, T>C. VCF-style: chr7-139936233-T-C. GRCh37 (hg19) VCF-style: chr7-139636032-T-C.
Other names: c.376T>C, p.Phe126Leu (NM_001130966.5, NM_001166253.4, NM_030984.6); c.175T>C, p.Phe59Leu (NM_001166254.4); c.319T>C, p.Phe107Leu (NM_001314028.4); c.193T>C, p.Phe65Leu (NM_001366537.3); short protein forms F59L, F107L, F126L, F127L, F65L.
Identifiers: ClinVar variation 4996228 (VCV004996228.1).
Genomic context (GRCh38, chr7:139,936,233, plus strand): 5'-CTTGTTACTTCCCAACAGGCGTCGGGTTTGGAGTTCAAGTCGGTAGCCGACAGCGTTCTG[T>C]TTTTACGTGACAAAAGATGGGAAGAGGTCAGAGGTGCCCTGATGTCTGCTTTCAGTCCTG-3'
Protein context (NP_001052.3, residues 116-136): EFKSVADSVL[Phe126Leu]LRDKRWEEVR